The following is an entry in ClinVar:

ClinVar aggregate classification (germline): Pathogenic (1 of 4 stars; one submission).

Submission:

Labcorp Genetics (formerly Invitae), Labcorp
Classification: Pathogenic. Last evaluated: 2023-04-18. Review status: criteria provided, single submitter. Criteria: Invitae Variant Classification Sherloc (09022015). Collection method: clinical testing. Allele origin: germline.
Comment: This sequence change creates a premature translational stop signal (p.Lys191*) in the TBX4 gene. It is expected to result in an absent or disrupted protein product. Loss-of-function variants in TBX4 are known to be pathogenic (PMID: 15106123, 31151956, 31761294, 31965066, 32079640). This variant is not present in population databases (gnomAD no frequency). This variant has not been reported in the literature in individuals affected with TBX4-related conditions. For these reasons, this variant has been classified as Pathogenic.

Literature cited by the submitters: PubMed 15106123; PubMed 31151956; PubMed 31761294; PubMed 31965066; PubMed 32079640.

NM_001321120.2(TBX4):c.571A>T (p.Lys191Ter)

Gene: TBX4 (T-box transcription factor 4; plus strand). Cytogenetic location: 17q23.2.
Variant type: single nucleotide variant.
Coding change: c.571A>T on transcript NM_001321120.2 (MANE Select); coding-DNA position 571, A replaced by T.
Protein change: p.Lys191Ter; replaces lysine 191 with a stop codon.
Molecular consequence: nonsense.
Genome position (GRCh38, 1-based): chr17:61,478,648, A>T. VCF-style: chr17-61478648-A-T. GRCh37 (hg19) VCF-style: chr17-59556009-A-T.
Other names: c.571A>T, p.Lys191Ter (NM_018488.3); short protein forms K191*.
Identifiers: ClinVar variation 2857352 (VCV002857352.3), dbSNP rs2509565244, ClinGen allele CA400472558.